The following is an entry in ClinVar:

ClinVar aggregate classification (germline): Uncertain significance. Review status: criteria provided, multiple submitters, no conflicts (2 of 4 stars). 2 submissions from 2 submitters: Uncertain significance (2). Last evaluated 2024-07-26.

Conditions:
Inborn genetic diseases. Identifiers: MedGen C0950123, MeSH D030342.
Nemaline myopathy 10 (NEM10). Identifiers: MedGen C4015360, MONDO:0014513, OMIM 616165.

Allele frequency attached by ClinVar (database versions not stated): gnomAD exomes below 0.00001; ExAC 0.00001; gnomAD 0.00001.
gnomAD v4.1: 23 of 1,609,052 alleles (0.0014%); highest among the groups gnomAD compares: Non-Finnish European, 0.0018%; no homozygotes.

Submissions (2):

Ambry Genetics
Classification: Uncertain significance for Inborn genetic diseases. Last evaluated: 2024-07-26. Review status: criteria provided, single submitter. Criteria: Ambry Variant Classification Scheme 2023. Collection method: clinical testing. Allele origin: germline.

Labcorp Genetics (formerly Invitae), Labcorp
Classification: Uncertain significance for Nemaline myopathy 10. Last evaluated: 2017-09-19. Review status: criteria provided, single submitter. Criteria: Invitae Variant Classification Sherloc (09022015). Collection method: clinical testing. Allele origin: germline.
Comment: In summary, the available evidence is currently insufficient to determine the role of this variant in disease. Therefore, it has been classified as a Variant of Uncertain Significance. Algorithms developed to predict the effect of missense changes on protein structure and function (SIFT, PolyPhen-2, Align-GVGD) all suggest that this variant is likely to be disruptive, but these predictions have not been confirmed by published functional studies and their clinical significance is uncertain. This variant has not been reported in the literature in individuals with LMOD3-related disease. This variant is present in population databases (rs747837263, ExAC 0.002%). This sequence change replaces isoleucine with asparagine at codon 515 of the LMOD3 protein (p.Ile515Asn). The isoleucine residue is highly conserved and there is a large physicochemical difference between isoleucine and asparagine.

NM_198271.5(LMOD3):c.1544T>A (p.Ile515Asn)

Gene: LMOD3 (leiomodin 3; minus strand). Cytogenetic location: 3p14.1.
Variant type: single nucleotide variant.
Coding change: c.1544T>A on transcript NM_198271.5 (MANE Select); coding-DNA position 1544, T replaced by A.
Protein change: p.Ile515Asn; replaces isoleucine 515 with asparagine.
Molecular consequence: missense variant.
Genome position (GRCh38, 1-based): chr3:69,118,811, A>T on the plus strand (T>A on the coding strand, the complement: LMOD3 is on the minus strand). VCF-style: chr3-69118811-A-T. GRCh37 (hg19) VCF-style: chr3-69167962-A-T.
Other names: c.1544T>A, p.Ile515Asn (NM_001304418.3); c.1544T>A (NM_198271.3); short protein forms I515N.
Identifiers: ClinVar variation 542083 (VCV000542083.5), dbSNP rs747837263, ClinGen allele CA2488746.